The following is an entry in ClinVar:

ClinVar aggregate classification (germline): Uncertain significance (1 of 4 stars; one submission).

Submission:

Labcorp Genetics (formerly Invitae), Labcorp
Classification: Uncertain significance. Last evaluated: 2025-04-09. Review status: criteria provided, single submitter. Criteria: Invitae Variant Classification Sherloc (09022015). Collection method: clinical testing. Allele origin: germline.
Comment: This variant, c.3039_3041dup, results in the insertion of 1 amino acid(s) of the ABCA4 protein (p.Leu1014dup), but otherwise preserves the integrity of the reading frame. This variant is not present in population databases (gnomAD no frequency). This variant has been observed in individual(s) with clinical features of ABCA4-related conditions (internal data). ClinVar contains an entry for this variant (Variation ID: 1005071). Experimental studies and prediction algorithms are not available or were not evaluated, and the functional significance of this variant is currently unknown. In summary, the available evidence is currently insufficient to determine the role of this variant in disease. Therefore, it has been classified as a Variant of Uncertain Significance.

NM_000350.3(ABCA4):c.3039_3041dup (p.Leu1014_Phe1015insLeu)

Gene: ABCA4 (ATP binding cassette subfamily A member 4; minus strand). Cytogenetic location: 1p22.1.
Variant type: Duplication.
Coding change: c.3039_3041dup on transcript NM_000350.3 (MANE Select); coding-DNA positions 3039 to 3041, 3 bases duplicated (CCT; older notation c.3039_3041dupCCT).
Protein change: p.Leu1014_Phe1015insLeu.
Molecular consequence: inframe insertion. On other transcripts: inframe indel (1).
Genome position (GRCh38, 1-based): chr1:94,044,622-94,044,624, AGG duplicated on the plus strand (CCT on the coding strand, the reverse complement: ABCA4 is on the minus strand); duplicating any 3 consecutive bases within chr1:94,044,622-94,044,625 gives the same sequence; the c. name uses the placement nearest the transcript's 3' end. VCF-style (leftmost placement, unchanged base first): chr1-94044621-C-CAGG. GRCh37 (hg19) VCF-style: chr1-94510177-C-CAGG.
Other names: c.2816_2818dup, p.Leu940_Phe941insLeu (NM_001425324.1).
Identifiers: ClinVar variation 1005071 (VCV001005071.10), dbSNP rs1660619507, ClinGen allele CA1181421482.